The following is an entry in ClinVar:

ClinVar aggregate classification (germline): Uncertain significance. Review status: criteria provided, multiple submitters, no conflicts (2 of 4 stars). 2 submissions from 2 submitters: Uncertain significance (2). Last evaluated 2026-02-01.

Conditions:
Early-infantile DEE. Also called: Early infantile epileptic encephalopathy; Ohtahara syndrome; Early infantile epileptic encephalopathy with suppression bursts. Identifiers: Orphanet 1934, MedGen C0393706, MONDO:0800491.

Allele frequency attached by ClinVar (database versions not stated): gnomAD exomes below 0.00001; ExAC 0.00001.
gnomAD v4.1: 6 of 1,606,934 alleles (0.00037%); highest among the groups gnomAD compares: South Asian, 0.0066%; no homozygotes.

Submissions (2):

GeneDx
Classification: Uncertain significance. Last evaluated: 2026-02-01. Review status: criteria provided, single submitter. Criteria: GeneDx Variant Classification Process June 2021. Collection method: clinical testing. Allele origin: germline.
Comment: In silico analysis supports that this missense variant has a deleterious effect on protein structure/function; Has not been previously published as pathogenic or benign to our knowledge; This substitution is predicted to be within the transmembrane segment S3 of the third homologous domain

Labcorp Genetics (formerly Invitae), Labcorp
Classification: Uncertain significance for Early-infantile DEE. Last evaluated: 2024-07-04. Review status: criteria provided, single submitter. Criteria: Invitae Variant Classification Sherloc (09022015). Collection method: clinical testing. Allele origin: germline.
Comment: This sequence change replaces leucine, which is neutral and non-polar, with serine, which is neutral and polar, at codon 1299 of the SCN1A protein (p.Leu1299Ser). This variant is present in population databases (rs769062565, gnomAD 0.01%). This variant has not been reported in the literature in individuals affected with SCN1A-related conditions. ClinVar contains an entry for this variant (Variation ID: 2153965). Advanced modeling of protein sequence and biophysical properties (such as structural, functional, and spatial information, amino acid conservation, physicochemical variation, residue mobility, and thermodynamic stability) performed at Invitae indicates that this missense variant is expected to disrupt SCN1A protein function with a positive predictive value of 95%. In summary, the available evidence is currently insufficient to determine the role of this variant in disease. Therefore, it has been classified as a Variant of Uncertain Significance.

NM_001165963.4(SCN1A):c.3896T>C (p.Leu1299Ser)

Genes: SCN1A (sodium voltage-gated channel alpha subunit 1; minus strand), LOC102724058 (uncharacterized LOC102724058; plus strand). Cytogenetic location: 2q24.3.
Variant type: single nucleotide variant.
Coding change: c.3896T>C on transcript NM_001165963.4 (MANE Select); coding-DNA position 3896, T replaced by C.
Protein change: p.Leu1299Ser; replaces leucine 1299 with serine.
Molecular consequence: missense variant. On other transcripts: non-coding transcript variant (1).
Genome position (GRCh38, 1-based): chr2:166,009,825, A>G on the plus strand (T>C on the coding strand, the complement: SCN1A is on the minus strand). VCF-style: chr2-166009825-A-G. GRCh37 (hg19) VCF-style: chr2-166866335-A-G.
Other names: c.3812T>C, p.Leu1271Ser (NM_001165964.3, NM_001353957.2, NM_001353958.2); c.3896T>C, p.Leu1299Ser (NM_001202435.3, NM_001353948.2); c.3863T>C, p.Leu1288Ser (NM_001353949.2, NM_001353950.2, NM_001353951.2 and 2 more transcripts); c.3860T>C, p.Leu1287Ser (NM_001353954.2, NM_001353955.2); c.3809T>C, p.Leu1270Ser (NM_001353960.2); c.1454T>C, p.Leu485Ser (NM_001353961.2); c.3896T>C (NM_001165963.1); short protein forms L1271S, L1288S, L1299S, L1270S, L1287S, L485S.
Identifiers: ClinVar variation 2153965 (VCV002153965.6), dbSNP rs769062565, ClinGen allele CA1942866.